The following is an entry in ClinVar:

ClinVar aggregate classification (germline): Conflicting classifications of pathogenicity. Review status: criteria provided, conflicting classifications (1 of 4 stars). 2 submissions from 2 submitters: Uncertain significance (1); Likely benign (1). Last evaluated 2025-11-26.

Conditions:
Inborn genetic diseases. Identifiers: MedGen C0950123, MeSH D030342.

Allele frequency attached by ClinVar (database versions not stated): gnomAD 0.00001; TOPMed 0.00001; ExAC 0.00002; gnomAD exomes 0.00002.
gnomAD v4.1: 26 of 1,614,060 alleles (0.0016%); highest among the groups gnomAD compares: South Asian, 0.0099%; 1 homozygote.

Submissions (2):

Ambry Genetics
Classification: Uncertain significance for Inborn genetic diseases. Last evaluated: 2025-11-26. Review status: criteria provided, single submitter. Criteria: Ambry Variant Classification Scheme 2023. Collection method: clinical testing. Allele origin: germline.

CeGaT Center for Human Genetics Tuebingen
Classification: Likely benign. Last evaluated: 2023-11-01. Review status: criteria provided, single submitter. Criteria: CeGaT Center For Human Genetics Tuebingen Variant Classification Criteria Version 2. Collection method: clinical testing. Allele origin: germline. Affected: yes. Observed: 1 variant allele.
Comment: AFF4: PP2, BS1

NM_014423.4(AFF4):c.3044A>G (p.Lys1015Arg)

Gene: AFF4 (ALF transcription elongation factor 4; minus strand). Cytogenetic location: 5q31.1.
Variant type: single nucleotide variant.
Coding change: c.3044A>G on transcript NM_014423.4 (MANE Select); coding-DNA position 3044, A replaced by G.
Protein change: p.Lys1015Arg; replaces lysine 1015 with arginine.
Molecular consequence: missense variant.
Genome position (GRCh38, 1-based): chr5:132,886,365, T>C on the plus strand (A>G on the coding strand, the complement: AFF4 is on the minus strand). VCF-style: chr5-132886365-T-C. GRCh37 (hg19) VCF-style: chr5-132222057-T-C.
Other names: c.3044A>G (NM_014423.3); short protein forms K1015R.
Identifiers: ClinVar variation 2673027 (VCV002673027.23), dbSNP rs755081153, ClinGen allele CA3408756.